The following is an entry in ClinVar:

ClinVar aggregate classification (germline): Uncertain significance. Review status: criteria provided, multiple submitters, no conflicts (2 of 4 stars). 2 submissions from 2 submitters: Uncertain significance (2). Last evaluated 2025-05-29.

Conditions:
Cardiovascular phenotype. Identifiers: MedGen CN230736.
Alstrom syndrome (ALMS). Identifiers: Orphanet 64, MedGen C0268425, MONDO:0008763, OMIM 203800.

Allele frequency attached by ClinVar (database versions not stated): TOPMed below 0.00001; ExAC 0.00001.
gnomAD v4.1: 6 of 1,613,784 alleles (0.00037%); highest among the groups gnomAD compares: Admixed American, 0.0017%; no homozygotes.

Submissions (2):

Ambry Genetics
Classification: Uncertain significance for Cardiovascular phenotype. Last evaluated: 2025-05-29. Review status: criteria provided, single submitter. Criteria: Ambry Variant Classification Scheme 2023. Collection method: clinical testing. Allele origin: germline.
Comment: The p.G3898D variant (also known as c.11693G>A), located in coding exon 18 of the ALMS1 gene, results from a G to A substitution at nucleotide position 11693. The glycine at codon 3898 is replaced by aspartic acid, an amino acid with similar properties. This amino acid position is well conserved in available vertebrate species. In addition, this alteration is predicted to be deleterious by in silico analysis. Since supporting evidence is limited at this time, the clinical significance of this alteration remains unclear.

Labcorp Genetics (formerly Invitae), Labcorp
Classification: Uncertain significance for Alstrom syndrome. Last evaluated: 2022-03-11. Review status: criteria provided, single submitter. Criteria: Invitae Variant Classification Sherloc (09022015). Collection method: clinical testing. Allele origin: germline.
Comment: This sequence change replaces glycine, which is neutral and non-polar, with aspartic acid, which is acidic and polar, at codon 3898 of the ALMS1 protein (p.Gly3898Asp). This variant is present in population databases (rs778839231, gnomAD 0.003%). This variant has not been reported in the literature in individuals affected with ALMS1-related conditions. Experimental studies and prediction algorithms are not available or were not evaluated, and the functional significance of this variant is currently unknown. In summary, the available evidence is currently insufficient to determine the role of this variant in disease. Therefore, it has been classified as a Variant of Uncertain Significance.

NM_001378454.1(ALMS1):c.11690G>A (p.Gly3897Asp)

Gene: ALMS1 (ALMS1 centrosome and basal body associated protein; plus strand). Cytogenetic location: 2p13.1.
Variant type: single nucleotide variant.
Coding change: c.11690G>A on transcript NM_001378454.1 (MANE Select); coding-DNA position 11690, G replaced by A.
Protein change: p.Gly3897Asp; replaces glycine 3897 with aspartic acid.
Molecular consequence: missense variant.
Genome position (GRCh38, 1-based): chr2:73,600,699, G>A. VCF-style: chr2-73600699-G-A. GRCh37 (hg19) VCF-style: chr2-73827826-G-A.
Other names: c.11693G>A, p.Gly3898Asp (NM_015120.4); short protein forms G3898D, G3897D.
Identifiers: ClinVar variation 1738877 (VCV001738877.5), dbSNP rs778839231, ClinGen allele CA1715292.
Genomic context (GRCh38, chr2:73,600,699, plus strand): 5'-AAGGTTACTCCCAGAGACACCTATGATCCTTCCCCTCAGGTAACTTGGAGATTGTGAACG[G>A]TGCCAAAAAACACACTCGAGATGTTGGGATAACTTTCCCAACTCCAAGTTCCAGCGAGGC-3'
Protein context (NP_001365383.1, residues 3887-3907): IQAGNLEIVN[Gly3897Asp]AKKHTRDVGI